The following is an entry in ClinVar:

ClinVar aggregate classification (germline): Conflicting classifications of pathogenicity. Review status: criteria provided, conflicting classifications (1 of 4 stars). 8 submissions from 8 submitters: Pathogenic (4); Likely pathogenic (2); Uncertain significance (1). 1 of the submissions does not count toward it. Last evaluated 2026-07-01.

Conditions:
Niemann-Pick disease, type A. Also called: Infantile Neurovisceral ASMD (Niemann-Pick Disease Type A; NPD-A); SPHINGOMYELIN LIPIDOSIS; SPHINGOMYELINASE DEFICIENCY. Identifiers: Orphanet 77292, MedGen C0268242, MONDO:0009756, OMIM 257200. Disease mechanism: loss of function.
Niemann-Pick disease, type B. Also called: Chronic Visceral ASMD (Niemann-Pick Disease Type B; NPD-B). Identifiers: Orphanet 77293, MedGen C0268243, MONDO:0011871, OMIM 607616. Disease mechanism: loss of function.
Sphingomyelin/cholesterol lipidosis. Also called: Niemann-Pick disease. Identifiers: MedGen C0028064, MONDO:0001982.

Allele frequency attached by ClinVar (database versions not stated): gnomAD exomes below 0.00001 and 0.00003; TOPMed below 0.00001.

Submissions (8):

CeGaT Center for Human Genetics Tuebingen
Classification: Likely pathogenic. Last evaluated: 2026-07-01. Review status: criteria provided, single submitter. Criteria: CeGaT Center For Human Genetics Tuebingen Variant Classification Criteria Version 2. Collection method: clinical testing. Allele origin: germline. Affected: yes. Observed: 1 variant allele.
Comment: SMPD1: PM3:Very Strong, PM2, BP4

Labcorp Genetics (formerly Invitae), Labcorp
Classification: Pathogenic for Niemann-Pick disease, type B; Niemann-Pick disease, type A. Last evaluated: 2025-12-22. Review status: criteria provided, single submitter. Criteria: Invitae Variant Classification Sherloc (09022015). Collection method: clinical testing. Allele origin: germline.
Comment: This sequence change replaces alanine, which is neutral and non-polar, with proline, which is neutral and non-polar, at codon 198 of the SMPD1 protein (p.Ala198Pro). The frequency data for this variant in the population databases is considered unreliable, as metrics indicate poor data quality at this position in the gnomAD database. This missense change has been observed in individual(s) with acid sphingomyelinase deficiency (PMID: 12369017, 15234149; internal data). In at least one individual the data is consistent with being in trans (on the opposite chromosome) from a pathogenic variant. ClinVar contains an entry for this variant (Variation ID: 203425). Invitae Evidence Modeling of protein sequence and biophysical properties (such as structural, functional, and spatial information, amino acid conservation, physicochemical variation, residue mobility, and thermodynamic stability) has been performed for this missense variant. However, the output from this modeling did not meet the statistical confidence thresholds required to predict the impact of this variant on SMPD1 protein function. For these reasons, this variant has been classified as Pathogenic.

Natera, Inc.
Classification: Pathogenic for Niemann-Pick Disease, Types A/B. Last evaluated: 2025-08-05. Review status: criteria provided, single submitter. Criteria: Natera Variant Classification Schema (03/2026). Collection method: clinical testing. Allele origin: germline.
Comment: The c.592G>C variant in SMPD1 is a missense variant predicted to cause substitution of alanine to proline at amino acid 198. This variant is rare in the general population with a frequency below the threshold expected for the associated phenotype(s). This variant has been observed in one or more individuals affected with the associated recessive disease, as either homozygous or compound heterozygous with a second variant (PMID: 15234149, 12369017, 33971920). Computational prediction algorithms indicate this variant is likely to affect gene or protein function. Given the available evidence, this variant is classified as Pathogenic.

Baylor Genetics
Classification: Pathogenic for Niemann-Pick disease, type A. Last evaluated: 2023-12-20. Review status: criteria provided, single submitter. Criteria: ACMG Guidelines, 2015. Collection method: clinical testing. Allele origin: unknown.

Revvity Omics, Revvity
Classification: Likely pathogenic. Last evaluated: 2023-07-10. Review status: criteria provided, single submitter. Criteria: ACMG Guidelines, 2015. Collection method: clinical testing. Allele origin: germline.

Broad Center for Mendelian Genomics, Broad Institute of MIT and Harvard
Classification: Uncertain significance for Sphingomyelin/cholesterol lipidosis. Last evaluated: 2020-01-22. Review status: criteria provided, single submitter. Criteria: ACMG Guidelines, 2015. Collection method: curation. Allele origin: germline. Inheritance: Autosomal recessive inheritance.
Comment: The p.Ala198Pro variant in SMPD1 has been reported in at least 10 individuals with Niemann-Pick disease (PMID: 15234149, 12369017) and has been identified in 0.001133% (1/88272) of European (non-Finnish) chromosomes by the Genome Aggregation Database (gnomAD; dbSNP rs797044798). Although this variant has been seen in the general population, its frequency is low enough to be consistent with a recessive carrier frequency. This variant has also been reported in ClinVar (VariationID: 203435) as Pathogenic by GeneReviews. Computational prediction tools, including splice predictors, and conservation analyses suggest that this variant may not impact the protein, though this information is not predictive enough to rule out pathogenicity. The presence of this variant in 2 affected homozygotes and in combination with a reported pathogenic variant in at least 3 individuals with NIemann-Pick disease increases the likelihood that the p.Ala198Pro variant is pathogenic (VariationID: 167709, 100731; PMID: 15234149, 12369017). In summary, the clinical significance of the p.Ala198Pro variant is uncertain. ACMG/AMP Criteria applied: PM3_strong, PM2, BP4 (Richards 2015).

Women's Health and Genetics/Laboratory Corporation of America, LabCorp
Classification: Pathogenic for Niemann-Pick disease, type B. Last evaluated: 2019-01-21. Review status: criteria provided, single submitter. Criteria: LabCorp Variant Classification Summary - May 2015. Collection method: clinical testing. Allele origin: germline.
Comment: Variant summary: SMPD1 c.592G>C (p.Ala198Pro) results in a non-conservative amino acid change in the encoded protein sequence. Three of five in-silico tools predict a damaging effect of the variant on protein function. The variant was absent in 212412 control chromosomes (gnomAD). c.592G>C has been reported in the literature in multiple individuals affected with Niemann-Pick disease type B (McGovern_2004, Simonaro_2002). These data indicate that the variant is very likely to be associated with disease. A ClinVar submission from a reputable database (evaluation after 2014) cites the variant as pathogenic. Based on the evidence outlined above, the variant was classified as pathogenic.

GeneReviews
No classification provided. Condition: Sphingomyelin/cholesterol lipidosis. Review status: no classification provided. Collection method: literature only. Allele origin: germline. Not counted in ClinVar's aggregate classification.
Comment: Some evidence suggests that this pathogenic variant is associated with a less severe form of Niemann-Pick disease type B

Literature cited by the submitters: PubMed 12369017 (cited by 5 submitters); PubMed 15234149 (cited by 4 submitters); PubMed 33971920 (cited by Natera, Inc.).

NM_000543.5(SMPD1):c.592G>C (p.Ala198Pro)

Gene: SMPD1 (sphingomyelin phosphodiesterase 1; plus strand). Cytogenetic location: 11p15.4.
Variant type: single nucleotide variant.
Coding change: c.592G>C on transcript NM_000543.5 (MANE Select); coding-DNA position 592, G replaced by C.
Protein change: p.Ala198Pro; replaces alanine 198 with proline.
Molecular consequence: missense variant. On other transcripts: 5 prime UTR variant (1), non-coding transcript variant (1).
Genome position (GRCh38, 1-based): chr11:6,391,657, G>C. VCF-style: chr11-6391657-G-C. GRCh37 (hg19) VCF-style: chr11-6412887-G-C.
Other names: c.589G>C, p.Ala197Pro (NM_001007593.3); c.592G>C, p.Ala198Pro (NM_001318087.2, NM_001365135.2); c.-370G>C (NM_001318088.2); short protein forms A198P, A197P.
Identifiers: ClinVar variation 203425 (VCV000203425.30), dbSNP rs797044798, ClinGen allele CA347287.